The following is an entry in ClinVar:

ClinVar aggregate classification (germline): Uncertain significance. Review status: criteria provided, multiple submitters, no conflicts (2 of 4 stars). 2 submissions from 2 submitters: Uncertain significance (2). Last evaluated 2024-09-02.

Conditions:
Hereditary cancer-predisposing syndrome. Also called: Hereditary neoplastic syndrome; Neoplastic Syndromes, Hereditary; Tumor predisposition; Hereditary Cancer Syndrome. Identifiers: Orphanet 140162, MedGen C0027672, MeSH D009386, MONDO:0015356.
Bloom syndrome (BLM). Also called: Bloom-Torre-Machacek syndrome. Identifiers: Orphanet 125, MedGen C0005859, MONDO:0008876, OMIM 210900.

Allele frequency attached by ClinVar (database versions not stated): TOPMed below 0.00001.
gnomAD v4.1: 1 of 1,606,044 alleles (0.000062%); no homozygotes.

Submissions (2):

Labcorp Genetics (formerly Invitae), Labcorp
Classification: Uncertain significance for Bloom syndrome. Last evaluated: 2024-09-02. Review status: criteria provided, single submitter. Criteria: Invitae Variant Classification Sherloc (09022015). Collection method: clinical testing. Allele origin: germline.
Comment: This sequence change replaces threonine, which is neutral and polar, with lysine, which is basic and polar, at codon 747 of the BLM protein (p.Thr747Lys). This variant is not present in population databases (gnomAD no frequency). This variant has not been reported in the literature in individuals affected with BLM-related conditions. Invitae Evidence Modeling of protein sequence and biophysical properties (such as structural, functional, and spatial information, amino acid conservation, physicochemical variation, residue mobility, and thermodynamic stability) indicates that this missense variant is not expected to disrupt BLM protein function with a negative predictive value of 80%. In summary, the available evidence is currently insufficient to determine the role of this variant in disease. Therefore, it has been classified as a Variant of Uncertain Significance.

Ambry Genetics
Classification: Uncertain significance for Hereditary cancer-predisposing syndrome. Last evaluated: 2023-10-22. Review status: criteria provided, single submitter. Criteria: Ambry Variant Classification Scheme 2023. Collection method: clinical testing. Allele origin: germline.
Comment: The p.T747K variant (also known as c.2240C>A), located in coding exon 9 of the BLM gene, results from a C to A substitution at nucleotide position 2240. The threonine at codon 747 is replaced by lysine, an amino acid with similar properties. This amino acid position is conserved. In addition, this alteration is predicted to be tolerated by in silico analysis. Since supporting evidence is limited at this time, the clinical significance of this alteration remains unclear.

NM_000057.4(BLM):c.2240C>A (p.Thr747Lys)

Gene: BLM (BLM RecQ like helicase; plus strand). Cytogenetic location: 15q26.1.
Variant type: single nucleotide variant.
Coding change: c.2240C>A on transcript NM_000057.4 (MANE Select); coding-DNA position 2240, C replaced by A.
Protein change: p.Thr747Lys; replaces threonine 747 with lysine.
Molecular consequence: missense variant.
Genome position (GRCh38, 1-based): chr15:90,766,956, C>A. VCF-style: chr15-90766956-C-A. GRCh37 (hg19) VCF-style: chr15-91310186-C-A.
Other names: c.2240C>A, p.Thr747Lys (NM_001287246.2, NM_001287247.2); c.1115C>A, p.Thr372Lys (NM_001287248.2); short protein forms T372K, T747K.
Identifiers: ClinVar variation 2783004 (VCV002783004.4), dbSNP rs775004288, ClinGen allele CA393844861.
Genomic context (GRCh38, chr15:90,766,956, plus strand): 5'-ACTTTTATACTTAGATTCCAGCTACATATCTGACAGGTGATAAGACTGACTCAGAAGCTA[C>A]AAATATTTACCTCCAGTTATCAAAAAAAGACCCAATCATAAAACTTCTATATGTCACTCC-3'
Protein context (NP_000048.1, residues 737-757): LTGDKTDSEA[Thr747Lys]NIYLQLSKKD